The following is an entry in ClinVar:

NM_138420.4(AHNAK2):c.9630G>A (p.Lys3210=)

Gene: AHNAK2 (AHNAK nucleoprotein 2; minus strand). Cytogenetic location: 14q32.33.
Variant type: single nucleotide variant.
Coding change: c.9630G>A on transcript NM_138420.4 (MANE Select); coding-DNA position 9630, G replaced by A.
Protein change: p.Lys3210=; no amino-acid change (lysine 3210 retained).
Molecular consequence: synonymous variant.
Genome position (GRCh38, 1-based): chr14:104,945,821, C>T on the plus strand (G>A on the coding strand, the complement: AHNAK2 is on the minus strand). VCF-style: chr14-104945821-C-T. GRCh37 (hg19) VCF-style: chr14-105412158-C-T.
Other names: c.9330G>A, p.Lys3110= (NM_001350929.2).
Identifiers: ClinVar variation 5038766 (VCV005038766.1).

ClinVar aggregate classification (germline): Likely benign (1 of 4 stars; one submission).

Submission:

CeGaT Center for Human Genetics Tuebingen
Classification: Likely benign. Last evaluated: 2026-07-01. Review status: criteria provided, single submitter. Criteria: CeGaT Center For Human Genetics Tuebingen Variant Classification Criteria Version 2. Collection method: clinical testing. Allele origin: germline. Affected: yes. Observed: 1 variant allele.
Comment: AHNAK2: BP4, BP7